The following is an entry in ClinVar:

ClinVar aggregate classification (germline): Likely benign (1 of 4 stars; one submission).

gnomAD v4.1: 4,382 of 152,090 alleles (2.9%); highest among the groups gnomAD compares: South Asian, 6.6%; 82 homozygotes.

Submission:

GeneDx
Classification: Likely benign. Last evaluated: 2018-07-10. Review status: criteria provided, single submitter. Criteria: GeneDx Variant Classification Process June 2021. Collection method: clinical testing. Allele origin: germline. Affected: yes.
Comment: See Variant Classification Assertion Criteria.

NM_182914.3(SYNE2):c.18201+282A>T

Gene: SYNE2 (spectrin repeat containing nuclear envelope protein 2; plus strand). Cytogenetic location: 14q23.2.
Variant type: single nucleotide variant.
Coding change: c.18201+282A>T on transcript NM_182914.3 (MANE Select); 282 bases into the intron after coding-DNA position 18201, A replaced by T.
Molecular consequence: intron variant.
Genome position (GRCh38, 1-based): chr14:64,203,245, A>T. VCF-style: chr14-64203245-A-T. GRCh37 (hg19) VCF-style: chr14-64669963-A-T.
Other names: c.18201+282A>T (NM_015180.6).
Identifiers: ClinVar variation 4795397 (VCV004795397.1).